The following is an entry in ClinVar:

NM_001142864.4(PIEZO1):c.4750_4752del (p.Pro1584del)

Gene: PIEZO1 (piezo type mechanosensitive ion channel component 1 (Er blood group); minus strand). Cytogenetic location: 16q24.3.
Variant type: Deletion.
Coding change: c.4750_4752del on transcript NM_001142864.4 (MANE Select); coding-DNA positions 4750 to 4752, 3 bases deleted (CCC; older notation c.4750_4752delCCC).
Protein change: p.Pro1584del; deletes proline 1584.
Molecular consequence: inframe deletion.
Genome position (GRCh38, 1-based): chr16:88,722,606-88,722,608, GGG deleted on the plus strand (CCC on the coding strand, the reverse complement: PIEZO1 is on the minus strand); deleting any 3 consecutive bases within chr16:88,722,606-88,722,610 gives the same sequence; the c. name uses the placement nearest the transcript's 3' end. VCF-style (leftmost placement, unchanged base first): chr16-88722605-TGGG-T. GRCh37 (hg19) VCF-style: chr16-88789013-TGGG-T.
Other names: short protein forms P1584del.
Identifiers: ClinVar variation 4752763 (VCV004752763.1).

ClinVar aggregate classification (germline): Uncertain significance (1 of 4 stars; one submission).

Submission:

Labcorp Genetics (formerly Invitae), Labcorp
Classification: Uncertain significance. Last evaluated: 2025-12-20. Review status: criteria provided, single submitter. Criteria: Invitae Variant Classification Sherloc (09022015). Collection method: clinical testing. Allele origin: germline.
Comment: This variant, c.4750_4752del, results in the deletion of 1 amino acid(s) of the PIEZO1 protein (p.Pro1584del), but otherwise preserves the integrity of the reading frame. This variant is not present in population databases (gnomAD no frequency). This variant has not been reported in the literature in individuals affected with PIEZO1-related conditions. Experimental studies and prediction algorithms are not available or were not evaluated, and the functional significance of this variant is currently unknown. In summary, the available evidence is currently insufficient to determine the role of this variant in disease. Therefore, it has been classified as a Variant of Uncertain Significance.